The following is an entry in ClinVar:

NM_000504.4(F10):c.902C>T (p.Ala301Val)

Genes: F10 (coagulation factor X; plus strand), F10-AS2 (F10 antisense RNA 2; minus strand). Cytogenetic location: 13q34.
Variant type: single nucleotide variant.
Coding change: c.902C>T on transcript NM_000504.4 (MANE Select); coding-DNA position 902, C replaced by T.
Protein change: p.Ala301Val; replaces alanine 301 with valine.
Molecular consequence: missense variant.
Genome position (GRCh38, 1-based): chr13:113,148,952, C>T. VCF-style: chr13-113148952-C-T. GRCh37 (hg19) VCF-style: chr13-113803266-C-T.
Other names: c.770C>T, p.Ala257Val (NM_001312674.2); c.892C>T, p.Arg298Trp (NM_001312675.2); short protein forms A257V, A301V, R298W.
Identifiers: ClinVar variation 1707756 (VCV001707756.2), dbSNP rs145282353, ClinGen allele CA7060633.

ClinVar aggregate classification (germline): Uncertain significance (1 of 4 stars; one submission).

Allele frequency attached by ClinVar (database versions not stated): gnomAD exomes 0.00001; ExAC 0.00002; gnomAD 0.00002; TOPMed 0.00002; ESP Exome Variant Server 0.00008; 1000 Genomes Project 0.00020; 1000 Genomes Project 30x 0.00031.
gnomAD v4.1: 22 of 1,613,416 alleles (0.0014%); highest among the groups gnomAD compares: Middle Eastern, 0.016%; no homozygotes.

Submission:

GeneDx
Classification: Uncertain significance. Last evaluated: 2022-03-30. Review status: criteria provided, single submitter. Criteria: GeneDx Variant Classification Process June 2021. Collection method: clinical testing. Allele origin: germline. Affected: yes.
Comment: In silico analysis supports that this missense variant does not alter protein structure/function; Has not been previously published as pathogenic or benign to our knowledge